The following is an entry in ClinVar:

NM_005732.4(RAD50):c.2311C>G (p.Gln771Glu)

Gene: RAD50 (RAD50 double strand break repair protein; plus strand). Cytogenetic location: 5q31.1.
Variant type: single nucleotide variant.
Coding change: c.2311C>G on transcript NM_005732.4 (MANE Select); coding-DNA position 2311, C replaced by G.
Protein change: p.Gln771Glu; replaces glutamine 771 with glutamic acid.
Molecular consequence: missense variant.
Genome position (GRCh38, 1-based): chr5:132,603,403, C>G. VCF-style: chr5-132603403-C-G. GRCh37 (hg19) VCF-style: chr5-131939095-C-G.
Other names: short protein forms Q771E.
Identifiers: ClinVar variation 2746277 (VCV002746277.3), dbSNP rs749407085, ClinGen allele CA3405366.
Genomic context (GRCh38, chr5:132,603,403, plus strand): 5'-AGAAACAAACTGCAGAATGTCAATAGAGACATACAGCGCCTAAAGAACGACATAGAAGAA[C>G]AAGAAACACTCTTGGGTACAATAATGCCTGAAGAAGAAAGTGCCAAAGTATGCCTGACAG-3'
Protein context (NP_005723.2, residues 761-781): IQRLKNDIEE[Gln771Glu]ETLLGTIMPE

ClinVar aggregate classification (germline): Uncertain significance (1 of 4 stars; one submission).

Conditions:
Hereditary cancer-predisposing syndrome. Also called: Hereditary Cancer Syndrome; Neoplastic Syndromes, Hereditary; Tumor predisposition; Hereditary neoplastic syndrome. Identifiers: Orphanet 140162, MedGen C0027672, MeSH D009386, MONDO:0015356.

Allele frequency attached by ClinVar (database versions not stated): gnomAD exomes below 0.00001; ExAC 0.00001.
gnomAD v4.1: 1 of 1,613,844 alleles (0.000062%); highest among the groups gnomAD compares: South Asian, 0.0011%; no homozygotes.

Submission:

Labcorp Genetics (formerly Invitae), Labcorp
Classification: Uncertain significance for Hereditary cancer-predisposing syndrome. Last evaluated: 2023-07-25. Review status: criteria provided, single submitter. Criteria: Invitae Variant Classification Sherloc (09022015). Collection method: clinical testing. Allele origin: germline.
Comment: This sequence change replaces glutamine, which is neutral and polar, with glutamic acid, which is acidic and polar, at codon 771 of the RAD50 protein (p.Gln771Glu). This variant is present in population databases (rs749407085, gnomAD 0.003%). This variant has not been reported in the literature in individuals affected with RAD50-related conditions. Advanced modeling of protein sequence and biophysical properties (such as structural, functional, and spatial information, amino acid conservation, physicochemical variation, residue mobility, and thermodynamic stability) performed at Invitae indicates that this missense variant is not expected to disrupt RAD50 protein function. In summary, the available evidence is currently insufficient to determine the role of this variant in disease. Therefore, it has been classified as a Variant of Uncertain Significance.